The following is an entry in ClinVar:

NM_004656.4(BAP1):c.783+2T>G

Gene: BAP1 (BRCA1 associated deubiquitinase 1; minus strand). Cytogenetic location: 3p21.1.
Variant type: single nucleotide variant.
Coding change: c.783+2T>G on transcript NM_004656.4 (MANE Select); the canonical splice donor site of the intron after coding-DNA position 783, T replaced by G.
Molecular consequence: splice donor variant.
Genome position (GRCh38, 1-based): chr3:52,406,251, A>C on the plus strand (T>G on the coding strand, the complement: BAP1 is on the minus strand). VCF-style: chr3-52406251-A-C. GRCh37 (hg19) VCF-style: chr3-52440267-A-C.
Other names: c.729+2T>G (NM_001410772.1).
Identifiers: ClinVar variation 4620461 (VCV004620461.1).

ClinVar aggregate classification (germline): Uncertain significance (1 of 4 stars; one submission).

Conditions:
Hereditary cancer-predisposing syndrome. Also called: Neoplastic Syndromes, Hereditary; Tumor predisposition; Hereditary Cancer Syndrome; Hereditary neoplastic syndrome. Identifiers: Orphanet 140162, MedGen C0027672, MeSH D009386, MONDO:0015356.

Submission:

Ambry Genetics
Classification: Uncertain significance for Hereditary cancer-predisposing syndrome. Last evaluated: 2025-09-24. Review status: criteria provided, single submitter. Criteria: Ambry Variant Classification Scheme 2023. Collection method: clinical testing. Allele origin: germline.
Comment: The c.783+2T>G intronic variant results from a T to G substitution two nucleotides after coding exon 9 in the BAP1 gene. This alteration was non-functional in a high throughput genome editing haploid cell survival functional assay (Waters AJ et al. Nat Genet, 2024 Jul;56:1434-1445). This nucleotide position is highly conserved in available vertebrate species. In silico splice site analysis predicts that this alteration will weaken the native splice donor site and will result in the creation or strengthening of a novel splice donor site. RNA studies have demonstrated that this alteration results in a transcript predicted to lead to a protein with an in-frame deletion of 12 amino acids; however, the exact functional impact of the deleted amino acids is unknown at this time (Ambry internal data). Based on the available evidence, the clinical significance of this variant remains unclear.

Literature cited by the submitters: PubMed 38969833.